The following is an entry in ClinVar:

ClinVar aggregate classification (germline): Uncertain significance. Review status: criteria provided, multiple submitters, no conflicts (2 of 4 stars). 2 submissions from 2 submitters: Uncertain significance (2). Last evaluated 2025-08-02.

Conditions:
Inborn genetic diseases. Identifiers: MedGen C0950123, MeSH D030342.

Allele frequency attached by ClinVar (database versions not stated): gnomAD exomes 0.00001; TOPMed 0.00002; gnomAD 0.00002.
gnomAD v4.1: 18 of 1,551,578 alleles (0.0012%); highest among the groups gnomAD compares: African/African-American, 0.0027%; no homozygotes.

Submissions (2):

Labcorp Genetics (formerly Invitae), Labcorp
Classification: Uncertain significance. Last evaluated: 2025-08-02. Review status: criteria provided, single submitter. Criteria: Invitae Variant Classification Sherloc (09022015). Collection method: clinical testing. Allele origin: germline.
Comment: This sequence change replaces arginine, which is basic and polar, with cysteine, which is neutral and slightly polar, at codon 1815 of the UNC80 protein (p.Arg1815Cys). This variant is present in population databases (rs764903136, gnomAD 0.003%). This variant has not been reported in the literature in individuals affected with UNC80-related conditions. ClinVar contains an entry for this variant (Variation ID: 1450000). Invitae Evidence Modeling of protein sequence and biophysical properties (such as structural, functional, and spatial information, amino acid conservation, physicochemical variation, residue mobility, and thermodynamic stability) indicates that this missense variant is not expected to disrupt UNC80 protein function with a negative predictive value of 80%. In summary, the available evidence is currently insufficient to determine the role of this variant in disease. Therefore, it has been classified as a Variant of Uncertain Significance.

Ambry Genetics
Classification: Uncertain significance for Inborn genetic diseases. Last evaluated: 2025-01-15. Review status: criteria provided, single submitter. Criteria: Ambry Variant Classification Scheme 2023. Collection method: clinical testing. Allele origin: germline.

NM_001371986.1(UNC80):c.5641C>T (p.Arg1881Cys)

Gene: UNC80 (unc-80 subunit of NALCN channel complex; plus strand). Cytogenetic location: 2q34.
Variant type: single nucleotide variant.
Coding change: c.5641C>T on transcript NM_001371986.1 (MANE Select); coding-DNA position 5641, C replaced by T.
Protein change: p.Arg1881Cys; replaces arginine 1881 with cysteine.
Molecular consequence: missense variant.
Genome position (GRCh38, 1-based): chr2:209,922,362, C>T. VCF-style: chr2-209922362-C-T. GRCh37 (hg19) VCF-style: chr2-210787086-C-T.
Other names: c.5443C>T, p.Arg1815Cys (NM_032504.2); c.5428C>T, p.Arg1810Cys (NM_182587.4); c.5443C>T (NM_032504.1); short protein forms R1810C, R1881C, R1815C.
Identifiers: ClinVar variation 1450000 (VCV001450000.7), dbSNP rs764903136, ClinGen allele CA65040625.